The following is an entry in ClinVar:

ClinVar aggregate classification (germline): Uncertain significance (1 of 4 stars; one submission).

Conditions:
Inborn genetic diseases. Identifiers: MedGen C0950123, MeSH D030342.

Submission:

Ambry Genetics
Classification: Uncertain significance for Inborn genetic diseases. Last evaluated: 2023-05-05. Review status: criteria provided, single submitter. Criteria: Ambry Variant Classification Scheme 2023. Collection method: clinical testing. Allele origin: germline.
Comment: The p.M1174K variant (also known as c.3521T>A), located in coding exon 18 of the ATR gene, results from a T to A substitution at nucleotide position 3521. The methionine at codon 1174 is replaced by lysine, an amino acid with similar properties. This amino acid position is conserved. In addition, the in silico prediction for this alteration is inconclusive. Since supporting evidence is limited at this time, the clinical significance of this alteration remains unclear.

NM_001184.4(ATR):c.3521T>A (p.Met1174Lys)

Gene: ATR (ATR checkpoint kinase; minus strand). Cytogenetic location: 3q23.
Variant type: single nucleotide variant.
Coding change: c.3521T>A on transcript NM_001184.4 (MANE Select); coding-DNA position 3521, T replaced by A.
Protein change: p.Met1174Lys; replaces methionine 1174 with lysine.
Molecular consequence: missense variant.
Genome position (GRCh38, 1-based): chr3:142,540,964, A>T on the plus strand (T>A on the coding strand, the complement: ATR is on the minus strand). VCF-style: chr3-142540964-A-T. GRCh37 (hg19) VCF-style: chr3-142259806-A-T.
Other names: c.3329T>A, p.Met1110Lys (NM_001354579.2); short protein forms M1110K, M1174K.
Identifiers: ClinVar variation 2567823 (VCV002567823.2), dbSNP rs2473328128, ClinGen allele CA354807823.
Genomic context (GRCh38, chr3:142,540,964, plus strand): 5'-CTGCAACACAATTCAGGAAAATCATCCTTGAATCGAAGGCCAGTTCTCAGTGTGGTCATC[A>T]TCTTCACCCTCACAGAACTGACATGTTTGGGTCCCATTAACTTCATCAAAGACATCAAAC-3'
Protein context (NP_001175.2, residues 1164-1184): PKHVSSVRVK[Met1174Lys]MTTLRTGLRF